The following is an entry in ClinVar:

NM_002485.5(NBN):c.1707C>T (p.Asp569=)

Gene: NBN (nibrin; minus strand). Cytogenetic location: 8q21.3.
Variant type: single nucleotide variant.
Coding change: c.1707C>T on transcript NM_002485.5 (MANE Select); coding-DNA position 1707, C replaced by T.
Protein change: p.Asp569=; no amino-acid change (aspartic acid 569 retained).
Molecular consequence: synonymous variant.
Genome position (GRCh38, 1-based): chr8:89,953,382, G>A on the plus strand (C>T on the coding strand, the complement: NBN is on the minus strand). VCF-style: chr8-89953382-G-A. GRCh37 (hg19) VCF-style: chr8-90965610-G-A.
Other names: c.1461C>T, p.Asp487= (NM_001024688.3).
Identifiers: ClinVar variation 386533 (VCV000386533.12), dbSNP rs1057522522, ClinGen allele CA16606146.

ClinVar aggregate classification (germline): Likely benign. Review status: criteria provided, multiple submitters, no conflicts (2 of 4 stars). 3 submissions from 3 submitters: Likely benign (3). Last evaluated 2022-12-23.

Conditions:
Hereditary cancer-predisposing syndrome. Also called: Neoplastic Syndromes, Hereditary; Hereditary neoplastic syndrome; Tumor predisposition; Hereditary Cancer Syndrome. Identifiers: Orphanet 140162, MedGen C0027672, MeSH D009386, MONDO:0015356.
Microcephaly, normal intelligence and immunodeficiency (NBS). Also called: BERLIN BREAKAGE SYNDROME; Immunodeficiency, microcephaly with normal intelligence; Nijmegen breakage syndrome; Microcephaly with normal intelligence immunodeficiency and lymphoreticular malignancies; Nonsyndromal microcephaly autosomal recessive with normal intelligence; Seemanova syndrome 2. Identifiers: Orphanet 647, MedGen C0398791, MONDO:0009623, OMIM 251260.

Submissions (3):

Labcorp Genetics (formerly Invitae), Labcorp
Classification: Likely benign for Microcephaly, normal intelligence and immunodeficiency. Last evaluated: 2022-12-23. Review status: criteria provided, single submitter. Criteria: Invitae Variant Classification Sherloc (09022015). Collection method: clinical testing. Allele origin: germline.

Ambry Genetics
Classification: Likely benign for Hereditary cancer-predisposing syndrome. Last evaluated: 2020-01-29. Review status: criteria provided, single submitter. Criteria: Ambry Variant Classification Scheme 2023. Collection method: clinical testing. Allele origin: germline.

GeneDx
Classification: Likely benign. Last evaluated: 2016-05-23. Review status: criteria provided, single submitter. Criteria: GeneDx Variant Classification (06012015). Collection method: clinical testing. Allele origin: germline. Affected: yes.
Comment: This variant is considered likely benign or benign based on one or more of the following criteria: it is a conservative change, it occurs at a poorly conserved position in the protein, it is predicted to be benign by multiple in silico algorithms, and/or has population frequency not consistent with disease.